The following is an entry in ClinVar:

ClinVar aggregate classification (germline): Uncertain significance. Review status: criteria provided, multiple submitters, no conflicts (2 of 4 stars). 3 submissions from 3 submitters: Uncertain significance (3). Last evaluated 2025-12-23.

Conditions:
Inborn genetic diseases. Identifiers: MedGen C0950123, MeSH D030342.
PLEKHG5-related disorder. Also called: PLEKHG5-related condition.
Charcot-Marie-Tooth disease recessive intermediate C. Also called: CHARCOT-MARIE-TOOTH NEUROPATHY, RECESSIVE INTERMEDIATE C. Identifiers: Orphanet 369867, MedGen C3809309, MONDO:0014154, OMIM 615376.
Neuronopathy, distal hereditary motor, autosomal recessive 4. Also called: Autosomal recessive lower motor neuron disease with childhood onset; NEUROPATHY, DISTAL HEREDITARY MOTOR, AUTOSOMAL RECESSIVE 4. Identifiers: Orphanet 206580, MedGen C1970211, MONDO:0012608, OMIM 611067.

Allele frequency attached by ClinVar (database versions not stated): gnomAD 0.00002; TOPMed 0.00002; ExAC 0.00003; gnomAD exomes 0.00005.
gnomAD v4.1: 22 of 1,572,878 alleles (0.0014%); highest among the groups gnomAD compares: East Asian, 0.019%; no homozygotes.

Submissions (3):

PreventionGenetics, part of Exact Sciences
Classification: Uncertain significance for PLEKHG5-related condition. Last evaluated: 2025-12-23. Review status: criteria provided, single submitter. Criteria: ACMG Guidelines, 2015. Collection method: clinical testing. Allele origin: germline.
Comment: The PLEKHG5 c.733C>T variant is predicted to result in the amino acid substitution p.Arg245Trp. To our knowledge, this variant has not been reported in the literature. This variant is reported in 0.046% of alleles in individuals of East Asian descent in gnomAD. At this time, the clinical significance of this variant is uncertain due to the absence of conclusive functional and genetic evidence.

Ambry Genetics
Classification: Uncertain significance for Inborn genetic diseases. Last evaluated: 2025-08-28. Review status: criteria provided, single submitter. Criteria: Ambry Variant Classification Scheme 2023. Collection method: clinical testing. Allele origin: germline.

Labcorp Genetics (formerly Invitae), Labcorp
Classification: Uncertain significance for Neuronopathy, distal hereditary motor, autosomal recessive 4; Charcot-Marie-Tooth disease recessive intermediate C. Last evaluated: 2021-08-25. Review status: criteria provided, single submitter. Criteria: Invitae Variant Classification Sherloc (09022015). Collection method: clinical testing. Allele origin: germline.
Comment: This sequence change replaces arginine with tryptophan at codon 245 of the PLEKHG5 protein (p.Arg245Trp). The arginine residue is highly conserved and there is a moderate physicochemical difference between arginine and tryptophan. This variant is present in population databases (rs766490061, ExAC 0.06%). This variant has not been reported in the literature in individuals affected with PLEKHG5-related conditions. Algorithms developed to predict the effect of missense changes on protein structure and function are either unavailable or do not agree on the potential impact of this missense change (SIFT: "Deleterious"; PolyPhen-2: "Probably Damaging"; Align-GVGD: "Class C0"). In summary, the available evidence is currently insufficient to determine the role of this variant in disease. Therefore, it has been classified as a Variant of Uncertain Significance.

NM_020631.6(PLEKHG5):c.733C>T (p.Arg245Trp)

Gene: PLEKHG5 (pleckstrin homology and RhoGEF domain containing G5; minus strand). Cytogenetic location: 1p36.31.
Variant type: single nucleotide variant.
Coding change: c.733C>T on transcript NM_020631.6 (MANE Select); coding-DNA position 733, C replaced by T.
Protein change: p.Arg245Trp; replaces arginine 245 with tryptophan.
Molecular consequence: missense variant.
Genome position (GRCh38, 1-based): chr1:6,473,313, G>A on the plus strand (C>T on the coding strand, the complement: PLEKHG5 is on the minus strand). VCF-style: chr1-6473313-G-A. GRCh37 (hg19) VCF-style: chr1-6533373-G-A.
Other names: c.844C>T, p.Arg282Trp (NM_001042663.3, NM_001265592.2); c.733C>T, p.Arg245Trp (NM_001042664.2, NM_001042665.2, NM_001265594.3 and 1 more transcripts); c.940C>T, p.Arg314Trp (NM_001265593.2); c.733C>T (NM_020631.4); short protein forms R282W, R245W, R314W.
Identifiers: ClinVar variation 1037348 (VCV001037348.10), dbSNP rs766490061, ClinGen allele CA561769.
Genomic context (GRCh38, chr1:6,473,313, plus strand): 5'-GGCCAAAGGCGCTGGTGCTGGGGCCGGAGCTGAAAAAGCCGCTGAAGCGACTGGCCGCCC[G>A]GTTCTTCCAGCTGTCGCCAGTGTTGGTGCTGCCACTGCTGCCGCTGGGCAGAGAGCAGCT-3'
Protein context (NP_065682.2, residues 235-255): STNTGDSWKN[Arg245Trp]AASRFSGFFS